The following is an entry in ClinVar:

ClinVar aggregate classification (germline): Benign. Review status: criteria provided, multiple submitters, no conflicts (2 of 4 stars). 3 submissions from 3 submitters: Benign (3). Last evaluated 2025-05-05.

Conditions:
TNC-related disorder. Also called: TNC-related condition.

Allele frequency attached by ClinVar (database versions not stated): gnomAD 0.00025 and 0.00089; ESP Exome Variant Server 0.00031; TOPMed 0.00044; gnomAD exomes 0.00100 and 0.00208; ExAC 0.00225; 1000 Genomes Project 30x 0.00500; 1000 Genomes Project 0.00519.
gnomAD v4.1: 1,634 of 1,613,652 alleles (0.1%); highest among the groups gnomAD compares: South Asian, 1.3%; 18 homozygotes.

Submissions (3):

PreventionGenetics, part of Exact Sciences
Classification: Benign for TNC-related condition. Last evaluated: 2025-05-05. Review status: criteria provided, single submitter. Criteria: ACMG Guidelines, 2015. Collection method: clinical testing. Allele origin: germline.
Comment: This variant is classified as benign based on ACMG/AMP sequence variant interpretation guidelines (Richards et al. 2015 PMID: 25741868, with internal and published modifications).

Labcorp Genetics (formerly Invitae), Labcorp
Classification: Benign. Last evaluated: 2019-12-31. Review status: criteria provided, single submitter. Criteria: Invitae Variant Classification Sherloc (09022015). Collection method: clinical testing. Allele origin: germline.

Breakthrough Genomics
Classification: Benign. Review status: criteria provided, single submitter. Criteria: ACMG Guidelines, 2015. Collection method: not provided. Allele origin: germline. Inheritance: Autosomal dominant inheritance. Affected: yes.

NM_002160.4(TNC):c.2373G>A (p.Arg791=)

Gene: TNC (tenascin C; minus strand). Cytogenetic location: 9q33.1.
Variant type: single nucleotide variant.
Coding change: c.2373G>A on transcript NM_002160.4 (MANE Select); coding-DNA position 2373, G replaced by A.
Protein change: p.Arg791=; no amino-acid change (arginine 791 retained).
Molecular consequence: synonymous variant.
Genome position (GRCh38, 1-based): chr9:115,081,803, C>T on the plus strand (G>A on the coding strand, the complement: TNC is on the minus strand). VCF-style: chr9-115081803-C-T. GRCh37 (hg19) VCF-style: chr9-117844082-C-T.
Identifiers: ClinVar variation 774436 (VCV000774436.6), dbSNP rs181668470, ClinGen allele CA5208552.